The following is an entry in ClinVar:

ClinVar aggregate classification (germline): Uncertain significance (1 of 4 stars; one submission).

Submission:

Labcorp Genetics (formerly Invitae), Labcorp
Classification: Uncertain significance. Last evaluated: 2021-11-23. Review status: criteria provided, single submitter. Criteria: Invitae Variant Classification Sherloc (09022015). Collection method: clinical testing. Allele origin: germline.
Comment: This sequence change replaces glycine, which is neutral and non-polar, with alanine, which is neutral and non-polar, at codon 407 of the RNF43 protein (p.Gly407Ala). This variant is not present in population databases (gnomAD no frequency). This variant has not been reported in the literature in individuals affected with RNF43-related conditions. Algorithms developed to predict the effect of missense changes on protein structure and function output the following: SIFT: "Tolerated"; PolyPhen-2: "Benign"; Align-GVGD: "Class C0". The alanine amino acid residue is found in multiple mammalian species, which suggests that this missense change does not adversely affect protein function. In summary, the available evidence is currently insufficient to determine the role of this variant in disease. Therefore, it has been classified as a Variant of Uncertain Significance.

NM_017763.6(RNF43):c.1220G>C (p.Gly407Ala)

Gene: RNF43 (ring finger protein 43; minus strand). Cytogenetic location: 17q22.
Variant type: single nucleotide variant.
Coding change: c.1220G>C on transcript NM_017763.6 (MANE Select); coding-DNA position 1220, G replaced by C.
Protein change: p.Gly407Ala; replaces glycine 407 with alanine.
Molecular consequence: missense variant.
Genome position (GRCh38, 1-based): chr17:58,358,556, C>G on the plus strand (G>C on the coding strand, the complement: RNF43 is on the minus strand). VCF-style: chr17-58358556-C-G. GRCh37 (hg19) VCF-style: chr17-56435917-C-G.
Other names: c.1220G>C, p.Gly407Ala (NM_001305544.3); c.839G>C, p.Gly280Ala (NM_001305545.2); short protein forms G407A, G280A.
Identifiers: ClinVar variation 1517758 (VCV001517758.6), dbSNP rs2143419596, ClinGen allele CA400330857.